The following is an entry in ClinVar:

NM_001164508.2(NEB):c.17747A>G (p.Lys5916Arg)

Gene: NEB (nebulin; minus strand). Cytogenetic location: 2q23.3.
Variant type: single nucleotide variant.
Coding change: c.17747A>G on transcript NM_001164508.2 (MANE Select); coding-DNA position 17747, A replaced by G.
Protein change: p.Lys5916Arg; replaces lysine 5916 with arginine.
Molecular consequence: missense variant.
Genome position (GRCh38, 1-based): chr2:151,568,168, T>C on the plus strand (A>G on the coding strand, the complement: NEB is on the minus strand). VCF-style: chr2-151568168-T-C. GRCh37 (hg19) VCF-style: chr2-152424682-T-C.
Other names: c.17747A>G, p.Lys5916Arg (NM_001164507.2, NM_001271208.2); c.12644A>G, p.Lys4215Arg (NM_004543.5); short protein forms K5916R, K4215R.
Identifiers: ClinVar variation 226843 (VCV000226843.24), dbSNP rs73967567, ClinGen allele CA1908105.

ClinVar aggregate classification (germline): Benign/Likely benign. Review status: criteria provided, multiple submitters, no conflicts (2 of 4 stars). 7 submissions from 7 submitters: Benign (3); Likely benign (2). 2 of the submissions do not count toward it. Last evaluated 2026-01-28.

Conditions:
Arthrogryposis multiplex congenita 6. Identifiers: MedGen C5543431, MONDO:0030281, OMIM 619334.
Nemaline myopathy 2 (NEM2). Also called: Nemaline myopathy 2, autosomal recessive. Identifiers: MedGen C1850569, MONDO:0009725, OMIM 256030.
NEB-related disorder. Also called: NEB-related condition; NEB-Related Disorders.

Allele frequency attached by ClinVar (database versions not stated): gnomAD exomes 0.00031 and 0.00091; ExAC 0.00128; 1000 Genomes Project 0.00319; gnomAD 0.00369 and 0.00393; 1000 Genomes Project 30x 0.00375; TOPMed 0.00438; ESP Exome Variant Server 0.00438.
gnomAD v4.1: 1,032 of 1,613,126 alleles (0.064%); highest among the groups gnomAD compares: African/African-American, 1.3%; 6 homozygotes.

Submissions (7):

Labcorp Genetics (formerly Invitae), Labcorp
Classification: Benign for Nemaline myopathy 2. Last evaluated: 2026-01-28. Review status: criteria provided, single submitter. Criteria: Invitae Variant Classification Sherloc (09022015). Collection method: clinical testing. Allele origin: germline.

Fulgent Genetics
Classification: Likely benign for Nemaline myopathy 2; Arthrogryposis multiplex congenita 6. Last evaluated: 2021-08-02. Review status: criteria provided, single submitter. Criteria: ACMG Guidelines, 2015. Collection method: clinical testing. Allele origin: unknown.

GeneDx
Classification: Benign. Last evaluated: 2018-05-14. Review status: criteria provided, single submitter. Criteria: GeneDx Variant Classification (06012015). Collection method: clinical testing. Allele origin: germline. Affected: yes.
Comment: This variant is considered likely benign or benign based on one or more of the following criteria: it is a conservative change, it occurs at a poorly conserved position in the protein, it is predicted to be benign by multiple in silico algorithms, and/or has population frequency not consistent with disease.

Illumina Laboratory Services, Illumina
Classification: Likely benign for Nemaline myopathy 2. Last evaluated: 2018-01-12. Review status: criteria provided, single submitter. Criteria: ICSL Variant Classification Criteria 13 December 2019. Collection method: clinical testing. Allele origin: germline.
Comment: This variant was observed in the ICSL laboratory as part of a predisposition screen in an ostensibly healthy population. It had not been previously curated by ICSL or reported in the Human Gene Mutation Database (HGMD: prior to June 1st, 2018), and was therefore a candidate for classification through an automated scoring system. Utilizing variant allele frequency, disease prevalence and penetrance estimates, and inheritance mode, an automated score was calculated to assess if this variant is too frequent to cause the disease. Based on the score and internal cut-off values, a variant classified as likely benign is not then subjected to further curation. The score for this variant resulted in a classification of likely benign for this disease.

Laboratory for Molecular Medicine, Mass General Brigham Personalized Medicine
Classification: Benign. Last evaluated: 2014-11-24. Review status: criteria provided, single submitter. Criteria: LMM Criteria. Collection method: clinical testing. Allele origin: germline. Observed: 1 variant allele.
Comment: Lys5916Arg in exon 113 of NEB: This variant is not expected to have clinical sig nificance because it has been identified in 1.4% (54/3972) of African American c hromosomes from a broad population by the NHLBI Exome Sequencing Project (dbSNP rs73967567).

Natera, Inc.
Classification: Benign for Nemaline myopathy type 2. Last evaluated: 2019-11-11. Review status: no assertion criteria provided. Collection method: clinical testing. Allele origin: germline. Not counted in ClinVar's aggregate classification.

PreventionGenetics, part of Exact Sciences
Classification: Benign for NEB-related condition. Last evaluated: 2019-09-17. Review status: no assertion criteria provided. Collection method: clinical testing. Allele origin: germline. Not counted in ClinVar's aggregate classification.
Comment: This variant is classified as benign based on ACMG/AMP sequence variant interpretation guidelines (Richards et al. 2015 PMID: 25741868, with internal and published modifications).